The following is an entry in ClinVar:

NM_001614.5(ACTG1):c.525C>G (p.Ile175Met)

Gene: ACTG1 (actin gamma 1; minus strand). Cytogenetic location: 17q25.3.
Variant type: single nucleotide variant.
Coding change: c.525C>G on transcript NM_001614.5 (MANE Select); coding-DNA position 525, C replaced by G.
Protein change: p.Ile175Met; replaces isoleucine 175 with methionine.
Molecular consequence: missense variant. On other transcripts: non-coding transcript variant (1).
Genome position (GRCh38, 1-based): chr17:81,511,465, G>C on the plus strand (C>G on the coding strand, the complement: ACTG1 is on the minus strand). VCF-style: chr17-81511465-G-C. GRCh37 (hg19) VCF-style: chr17-79478491-G-C.
Other names: c.525C>G, p.Ile175Met (NM_001199954.3); short protein forms I175M.
Identifiers: ClinVar variation 1308489 (VCV001308489.7), dbSNP rs146667866, ClinGen allele CA401460831.

ClinVar aggregate classification (germline): Uncertain significance. Review status: criteria provided, multiple submitters, no conflicts (2 of 4 stars). 2 submissions from 2 submitters: Uncertain significance (2). Last evaluated 2022-01-05.

Conditions:
Baraitser-winter syndrome 2. Identifiers: Orphanet 2995, MedGen C3281235, MONDO:0013812, OMIM 614583.
Autosomal dominant nonsyndromic hearing loss 20. Identifiers: Orphanet 90635, MedGen C1858172, MONDO:0011480, OMIM 604717.

Submissions (2):

Labcorp Genetics (formerly Invitae), Labcorp
Classification: Uncertain significance for Baraitser-winter syndrome 2; Autosomal dominant nonsyndromic hearing loss 20. Last evaluated: 2022-01-05. Review status: criteria provided, single submitter. Criteria: Invitae Variant Classification Sherloc (09022015). Collection method: clinical testing. Allele origin: germline.
Comment: In summary, the available evidence is currently insufficient to determine the role of this variant in disease. Therefore, it has been classified as a Variant of Uncertain Significance. Algorithms developed to predict the effect of missense changes on protein structure and function are either unavailable or do not agree on the potential impact of this missense change (SIFT: "Deleterious"; PolyPhen-2: "Benign"; Align-GVGD: "Class C0"). ClinVar contains an entry for this variant (Variation ID: 1308489). This missense change has been observed in individual(s) with deafness (Invitae). This variant is not present in population databases (gnomAD no frequency). This sequence change replaces isoleucine, which is neutral and non-polar, with methionine, which is neutral and non-polar, at codon 175 of the ACTG1 protein (p.Ile175Met).

GeneDx
Classification: Uncertain significance. Last evaluated: 2019-06-06. Review status: criteria provided, single submitter. Criteria: GeneDx Variant Classification Process June 2021. Collection method: clinical testing. Allele origin: germline. Affected: yes.
Comment: Not observed in large population cohorts (Lek et al., 2016); The majority of missense variants in this gene are considered pathogenic (Stenson et al., 2014); In silico analysis, which includes protein predictors and evolutionary conservation, supports that this variant does not alter protein structure/function; Has not been previously published as pathogenic or benign to our knowledge